The following is an entry in ClinVar:

ClinVar aggregate classification (germline): Pathogenic (1 of 4 stars; one submission).

Submission:

Labcorp Genetics (formerly Invitae), Labcorp
Classification: Pathogenic. Last evaluated: 2024-04-12. Review status: criteria provided, single submitter. Criteria: Invitae Variant Classification Sherloc (09022015). Collection method: clinical testing. Allele origin: germline.
Comment: This sequence change creates a premature translational stop signal (p.Ser76*) in the PTHLH gene. It is expected to result in an absent or disrupted protein product. Loss-of-function variants in PTHLH are known to be pathogenic (PMID: 20170896, 26640227, 26763883). This variant is not present in population databases (gnomAD no frequency). This variant has not been reported in the literature in individuals affected with PTHLH-related conditions. For these reasons, this variant has been classified as Pathogenic.

Literature cited by the submitters: PubMed 20170896; PubMed 26640227; PubMed 26763883.

NM_198965.2(PTHLH):c.227C>A (p.Ser76Ter)

Gene: PTHLH (parathyroid hormone like hormone; minus strand). Cytogenetic location: 12p11.22.
Variant type: single nucleotide variant.
Coding change: c.227C>A on transcript NM_198965.2 (MANE Select); coding-DNA position 227, C replaced by A.
Protein change: p.Ser76Ter; replaces serine 76 with a stop codon.
Molecular consequence: nonsense.
Genome position (GRCh38, 1-based): chr12:27,963,645, G>T on the plus strand (C>A on the coding strand, the complement: PTHLH is on the minus strand). VCF-style: chr12-27963645-G-T. GRCh37 (hg19) VCF-style: chr12-28116578-G-T.
Other names: c.227C>A, p.Ser76Ter (NM_002820.3, NM_198964.2, NM_198966.2); short protein forms S76*.
Identifiers: ClinVar variation 3638473 (VCV003638473.2).